The following is an entry in ClinVar:

NM_024301.5(FKRP):c.1141del (p.Ala381fs)

Gene: FKRP (fukutin related protein; plus strand). Cytogenetic location: 19q13.32.
Variant type: Deletion.
Coding change: c.1141del on transcript NM_024301.5 (MANE Select); coding-DNA position 1141, one base deleted (G; older notation c.1141delG).
Protein change: p.Ala381fs; shifts the reading frame from alanine 381.
Molecular consequence: frameshift variant.
Genome position (GRCh38, 1-based): chr19:46,756,591, G deleted; the last of 6 consecutive G bases (chr19:46,756,586-46,756,591); deleting any one gives the same sequence. VCF-style (leftmost placement, unchanged base first): chr19-46756585-CG-C. GRCh37 (hg19) VCF-style: chr19-47259842-CG-C.
Other names: c.1141del, p.Ala381fs (NM_001039885.3); short protein forms A381fs.
Identifiers: ClinVar variation 289250 (VCV000289250.11), dbSNP rs754403441, ClinGen allele CA9532250.

ClinVar aggregate classification (germline): Pathogenic. Review status: criteria provided, multiple submitters, no conflicts (2 of 4 stars). 2 submissions from 2 submitters: Pathogenic (2). Last evaluated 2025-09-28.

Conditions:
Walker-Warburg congenital muscular dystrophy. Also called: Muscular dystrophy-dystroglycanopathy, type A; Walker-Warburg syndrome. Identifiers: Orphanet 899, MedGen C0265221, MONDO:0000171.

Submissions (2):

Labcorp Genetics (formerly Invitae), Labcorp
Classification: Pathogenic for Walker-Warburg congenital muscular dystrophy. Last evaluated: 2025-09-28. Review status: criteria provided, single submitter. Criteria: Invitae Variant Classification Sherloc (09022015). Collection method: clinical testing. Allele origin: germline.
Comment: This sequence change creates a premature translational stop signal (p.Ala381Glnfs*47) in the FKRP gene. While this is not anticipated to result in nonsense mediated decay, it is expected to disrupt the last 115 amino acid(s) of the FKRP protein. The frequency data for this variant in the population databases is considered unreliable, as metrics indicate poor data quality at this position in the gnomAD database. This premature translational stop signal has been observed in individual(s) with limb-girdle muscular dystrophy (PMID: 17994539). This variant is also known as Arg379ArgfsX10. ClinVar contains an entry for this variant (Variation ID: 289250). This variant disrupts a region of the FKRP protein in which other variant(s) (p.Ile478Thr) have been determined to be pathogenic (PMID: 16476814, 18639457, 19299310). This suggests that this is a clinically significant region of the protein, and that variants that disrupt it are likely to be disease-causing. For these reasons, this variant has been classified as Pathogenic.

Eurofins Ntd Llc (ga)
Classification: Pathogenic. Last evaluated: 2016-07-11. Review status: criteria provided, single submitter. Criteria: EGL Classification Definitions 2015. Collection method: clinical testing. Allele origin: germline. Observed: 1 variant allele, 1 heterozygote.

Literature cited by the submitters: PubMed 17994539 (cited by Labcorp Genetics (formerly Invitae), Labcorp); PubMed 16476814 (cited by Labcorp Genetics (formerly Invitae), Labcorp); PubMed 18639457 (cited by Labcorp Genetics (formerly Invitae), Labcorp); PubMed 19299310 (cited by Labcorp Genetics (formerly Invitae), Labcorp).